The following is an entry in ClinVar:

ClinVar aggregate classification (germline): no classifications from unflagged records (0 of 4 stars; one submission).

Conditions:
Immunodeficiency, common variable, 14. Identifiers: Orphanet 696904, MedGen C4540380, MONDO:0054691, OMIM 617765.

Submission:

OMIM
Classification: Pathogenic for IMMUNODEFICIENCY, COMMON VARIABLE, 14 (1 family). Last evaluated: 2017-11-13. Review status: flagged submission. Collection method: literature only. Allele origin: germline.
ClinVar note: Notes: Flagging candidate with reason of insufficient supporting evidence. This gene has been classified as having a limited gene-disease relationship by a ClinGen Expert Panel.
ClinVar note: Reason: P/LP classification for a variant in a gene with insufficient evidence for a gene-disease relationship

Literature cited by the submitters: PubMed 27016798.

NM_182972.3(IRF2BP2):c.1652G>A (p.Ser551Asn)

Gene: IRF2BP2 (interferon regulatory factor 2 binding protein 2; minus strand). Cytogenetic location: 1q42.3.
Variant type: single nucleotide variant.
Coding change: c.1652G>A on transcript NM_182972.3 (MANE Select); coding-DNA position 1652, G replaced by A.
Protein change: p.Ser551Asn; replaces serine 551 with asparagine.
Molecular consequence: missense variant.
Genome position (GRCh38, 1-based): chr1:234,607,249, C>T on the plus strand (G>A on the coding strand, the complement: IRF2BP2 is on the minus strand). VCF-style: chr1-234607249-C-T. GRCh37 (hg19) VCF-style: chr1-234742995-C-T.
Other names: c.1604G>A, p.Ser535Asn (NM_001077397.1); short protein forms S551N, S535N.
Identifiers: ClinVar variation 446216 (VCV000446216.1), dbSNP rs1553319504, ClinGen allele CA345305027.